The following is an entry in ClinVar:

ClinVar aggregate classification (germline): Uncertain significance (1 of 4 stars; one submission).

Conditions:
Dilated cardiomyopathy 1G (CMD1G). Identifiers: Orphanet 154, MedGen C1858763, MONDO:0011400, OMIM 604145.
Autosomal recessive limb-girdle muscular dystrophy type 2J (LGMDR10). Also called: Limb-girdle muscular dystrophy, type 2J; MUSCULAR DYSTROPHY, LIMB-GIRDLE, AUTOSOMAL RECESSIVE 10. Identifiers: Orphanet 140922, MedGen C1837342, MONDO:0012127, OMIM 608807.

Allele frequency attached by ClinVar (database versions not stated): gnomAD exomes below 0.00001; gnomAD 0.00001; TOPMed 0.00002.
gnomAD v4.1: 3 of 1,613,002 alleles (0.00019%); highest among the groups gnomAD compares: Admixed American, 0.0017%; no homozygotes.

Submission:

Labcorp Genetics (formerly Invitae), Labcorp
Classification: Uncertain significance for Dilated cardiomyopathy 1G; Autosomal recessive limb-girdle muscular dystrophy type 2J. Last evaluated: 2025-08-24. Review status: criteria provided, single submitter. Criteria: Invitae Variant Classification Sherloc (09022015). Collection method: clinical testing. Allele origin: germline.
Comment: This sequence change replaces cysteine, which is neutral and slightly polar, with glycine, which is neutral and non-polar, at codon 35723 of the TTN protein (p.Cys35723Gly). This variant is not present in population databases (gnomAD no frequency). This variant has not been reported in the literature in individuals affected with TTN-related conditions. ClinVar contains an entry for this variant (Variation ID: 1366072). Experimental studies and prediction algorithms are not available or were not evaluated, and the functional significance of this variant is currently unknown. This variant is located in the M band of TTN (PMID: 25589632). Non-truncating variants in this region may be relevant for neuromuscular disorders, but have not been definitively shown to cause cardiomyopathy (PMID: 23975875). In summary, the available evidence is currently insufficient to determine the role of this variant in disease. Therefore, it has been classified as a Variant of Uncertain Significance.

Literature cited by the submitters: PubMed 25589632; PubMed 23975875.

NM_001267550.2(TTN):c.107167T>G (p.Cys35723Gly)

Genes: TTN-AS1 (TTN antisense RNA 1; plus strand), TTN (titin; minus strand). Cytogenetic location: 2q31.2.
Variant type: single nucleotide variant.
Coding change: c.107167T>G on transcript NM_001267550.2 (MANE Select); coding-DNA position 107167, T replaced by G.
Protein change: p.Cys35723Gly; replaces cysteine 35723 with glycine.
Molecular consequence: missense variant.
Genome position (GRCh38, 1-based): chr2:178,528,584, A>C on the plus strand (T>G on the coding strand, the complement: TTN is on the minus strand). VCF-style: chr2-178528584-A-C. GRCh37 (hg19) VCF-style: chr2-179393311-A-C.
Other names: c.102244T>G, p.Cys34082Gly (NM_001256850.1); c.79972T>G, p.Cys26658Gly (NM_003319.4); c.99463T>G, p.Cys33155Gly (NM_133378.4); c.80347T>G, p.Cys26783Gly (NM_133432.3); c.80548T>G, p.Cys26850Gly (NM_133437.4); short protein forms C33155G, C26783G, C34082G, C26658G, C26850G, C35723G.
Identifiers: ClinVar variation 1366072 (VCV001366072.6), dbSNP rs1687597849, ClinGen allele CA349401684.